The following is an entry in ClinVar:

NM_000100.4(CSTB):c.66G>A (p.Gln22=)

Genes: CSTB (cystatin B; minus strand), LOC130066788 (ATAC-STARR-seq lymphoblastoid silent region 13368; plus strand). Cytogenetic location: 21q22.3.
Variant type: single nucleotide variant.
Coding change: c.66G>A on transcript NM_000100.4 (MANE Select); coding-DNA position 66, G replaced by A.
Protein change: p.Gln22=; no amino-acid change (glutamine 22 retained).
Molecular consequence: synonymous variant.
Genome position (GRCh38, 1-based): chr21:43,776,204, C>T on the plus strand (G>A on the coding strand, the complement: CSTB is on the minus strand). VCF-style: chr21-43776204-C-T. GRCh37 (hg19) VCF-style: chr21-45196085-C-T.
Identifiers: ClinVar variation 55961 (VCV000055961.3), dbSNP rs386833443, ClinGen allele CA344723.
Genomic context (GRCh38, chr21:43,776,204, plus strand): 5'-GGCCGCGCCCTGAGGCTAAGGCAGGACTCCGGGCCGGCCCCGTCCCCGCGGCCCACCCAC[C>T]TGGTCGGCGATGTGCTGGGTCTCGGCGGTGGCCGGCTGCGTGGCGGAGGGCGCCCCGCAC-3'
Protein context (NP_000091.1, residues 12-32): ATAETQHIAD[Gln22=]VRSQLEEKEN

ClinVar aggregate classification (germline): Likely pathogenic. Review status: no assertion criteria provided (0 of 4 stars). 2 submissions from 2 submitters: Likely pathogenic (1). 1 of the submissions does not count toward it.

Conditions:
Unverricht-Lundborg syndrome. Also called: Unverricht-Lundborg Disease; Progressive myoclonus epilepsy baltic myoclonic epilepsy; Myoclonus progressive epilepsy of Unverricht and Lundborg; EPILEPSY, PROGRESSIVE MYOCLONIC, 1A; Myoclonic epilepsy of unverricht and lundborg; Epilepsy, progressive myoclonic 1A (Unverricht and Lundborg). Identifiers: Orphanet 308, MedGen C0751785, MONDO:0009698, OMIM 254800.

Submissions (2):

GeneReviews
No classification provided. Condition: Unverricht-Lundborg syndrome. Review status: no classification provided. Collection method: literature only. Allele origin: germline. Affected: yes. Not counted in ClinVar's aggregate classification.

Juha Muilu Group; Institute for Molecular Medicine Finland (FIMM)
Classification: Likely pathogenic for Unverricht-Lundborg syndrome. Review status: no assertion criteria provided. Collection method: not provided. Allele origin: unknown.
Comment: FinDis database variant: This variant was not found or characterized by our laboratory, data were collected from public sources: see reference
ClinVar note: Converted during submission from probable-pathogenic to Likely pathogenic.

Literature cited by the submitters: NCBI Bookshelf NBK1142 (cited by GeneReviews).